The following is an entry in ClinVar:

NM_000179.3(MSH6):c.3200G>A (p.Ser1067Asn)

Gene: MSH6 (mutS homolog 6; plus strand). Cytogenetic location: 2p16.3.
Variant type: single nucleotide variant.
Coding change: c.3200G>A on transcript NM_000179.3 (MANE Select); coding-DNA position 3200, G replaced by A.
Protein change: p.Ser1067Asn; replaces serine 1067 with asparagine.
Molecular consequence: missense variant. On other transcripts: 5 prime UTR variant (1), non-coding transcript variant (5), intron variant (1).
Genome position (GRCh38, 1-based): chr2:47,803,447, G>A. VCF-style: chr2-47803447-G-A. GRCh37 (hg19) VCF-style: chr2-48030586-G-A.
Other names: c.3296G>A, p.Ser1099Asn (NM_001406795.1, NM_001406802.1); c.3200G>A, p.Ser1067Asn (NM_001406796.1, NM_001406800.1, NM_001406808.1 and 1 more transcripts); c.2903G>A, p.Ser968Asn (NM_001406797.1, NM_001406801.1, NM_001406805.1 and 10 more transcripts); c.2675G>A, p.Ser892Asn (NM_001406799.1, NM_001406806.1, NM_001406807.1); c.2336G>A, p.Ser779Asn (NM_001406803.1); c.3122G>A, p.Ser1041Asn (NM_001406804.1); c.2294G>A, p.Ser765Asn (NM_001406811.1, NM_001406812.1, NM_001406814.1 and 6 more transcripts); c.3206G>A, p.Ser1069Asn (NM_001406813.1); and 7 more; short protein forms S1011N, S1041N, S1067N, S1069N, S1099N, S16N, S382N, S545N.
Identifiers: ClinVar variation 3070700 (VCV003070700.3), dbSNP rs730881803, ClinGen allele CA346757869.

ClinVar aggregate classification (germline): Uncertain significance. Review status: criteria provided, multiple submitters, no conflicts (2 of 4 stars). 3 submissions from 3 submitters: Uncertain significance (3). Last evaluated 2026-08-31.

Conditions:
Lynch syndrome. Identifiers: Orphanet 144, MedGen C4552100, MONDO:0005835. Disease mechanism: loss of function.
Hereditary cancer-predisposing syndrome. Also called: Tumor predisposition; Hereditary Cancer Syndrome; Neoplastic Syndromes, Hereditary; Hereditary neoplastic syndrome. Identifiers: Orphanet 140162, MedGen C0027672, MeSH D009386, MONDO:0015356.

Submissions (3):

Ambry Genetics
Classification: Uncertain significance for Hereditary cancer-predisposing syndrome. Last evaluated: 2026-08-31. Review status: criteria provided, single submitter. Criteria: Ambry Variant Classification Scheme 2023. Collection method: clinical testing. Allele origin: germline.
Comment: The p.S1067N variant (also known as c.3200G>A), located in coding exon 5 of the MSH6 gene, results from a G to A substitution at nucleotide position 3200. The serine at codon 1067 is replaced by asparagine, an amino acid with highly similar properties. This amino acid position is highly conserved in available vertebrate species. In addition, the in silico prediction for this alteration is inconclusive. Based on the available evidence, the clinical significance of this variant remains unclear.

All of Us Research Program, National Institutes of Health
Classification: Uncertain significance for Lynch syndrome. Last evaluated: 2023-05-04. Review status: criteria provided, single submitter. Criteria: ACMG Guidelines, 2015. Collection method: clinical testing. Allele origin: germline. Inheritance: Autosomal dominant inheritance. Observed: 1 variant allele, 1 heterozygote.
Comment: This missense variant replaces serine with asparagine at codon 1067 of the MSH6 protein. Computational prediction suggests that this variant may have deleterious impact on protein structure and function (internally defined REVEL score threshold >= 0.7, PMID: 27666373). To our knowledge, functional studies have not been reported for this variant. This variant has not been reported in individuals affected with MSH6-related disorders in the literature. This variant has not been identified in the general population by the Genome Aggregation Database (gnomAD). The available evidence is insufficient to determine the role of this variant in disease conclusively. Therefore, this variant is classified as a Variant of Uncertain Significance.

This study involves interpretation of variants in research participants for the purpose of population health screening. Participant phenotype was not available at the time of variant classification. Additional details can be found in publication PMID: 35346344, PMCID: PMC8962531

Blueprint Genetics
Classification: Uncertain significance. Last evaluated: 2019-09-24. Review status: criteria provided, single submitter. Criteria: ACMG Guidelines, 2015. Collection method: clinical testing. Allele origin: germline.